The following is an entry in ClinVar:

NM_201384.3(PLEC):c.11451C>G (p.His3817Gln)

Gene: PLEC (plectin; minus strand). Cytogenetic location: 8q24.3.
Variant type: single nucleotide variant.
Coding change: c.11451C>G on transcript NM_201384.3 (MANE Select); coding-DNA position 11451, C replaced by G.
Protein change: p.His3817Gln; replaces histidine 3817 with glutamine.
Molecular consequence: missense variant.
Genome position (GRCh38, 1-based): chr8:143,918,370, G>C on the plus strand (C>G on the coding strand, the complement: PLEC is on the minus strand). VCF-style: chr8-143918370-G-C. GRCh37 (hg19) VCF-style: chr8-144992538-G-C.
Other names: c.11451C>G, p.His3817Gln (NM_201382.4); c.11463C>G, p.His3821Gln (NM_201383.3); c.11532C>G, p.His3844Gln (NM_000445.5); c.8151C>G, p.His2717Gln (NM_001410941.1); c.11409C>G, p.His3803Gln (NM_201378.4); c.11385C>G, p.His3795Gln (NM_201379.3); c.11862C>G, p.His3954Gln (NM_201380.4); c.11355C>G, p.His3785Gln (NM_201381.3); short protein forms H2717Q, H3803Q, H3954Q, H3821Q, H3785Q, H3795Q, H3844Q, H3817Q.
Identifiers: ClinVar variation 2939605 (VCV002939605.3), dbSNP rs1821293360, ClinGen allele CA372490633.

ClinVar aggregate classification (germline): Uncertain significance (1 of 4 stars; one submission).

Conditions:
Epidermolysis bullosa simplex with nail dystrophy (EBS5D). Identifiers: MedGen C4225309, MONDO:0014661, OMIM 616487.
Epidermolysis bullosa simplex, Ogna type (EBS5A). Also called: Pidermolysis bullosa simplex 5A, Ogna type; EPIDERMOLYSIS BULLOSA SIMPLEX 5A, OGNA TYPE. Identifiers: Orphanet 79401, MedGen C0432317, MONDO:0007555, OMIM 131950.
Autosomal recessive limb-girdle muscular dystrophy type 2Q (LGMDR17). Also called: MUSCULAR DYSTROPHY, LIMB-GIRDLE, AUTOSOMAL RECESSIVE 17. Identifiers: Orphanet 254361, MedGen C3150989, MONDO:0013390, OMIM 613723.
Epidermolysis bullosa simplex 5B, with muscular dystrophy (EBS5B). Also called: EPIDERMOLYSIS BULLOSA SIMPLEX AND LIMB-GIRDLE MUSCULAR DYSTROPHY; Epidermolysis bullosa simplex with muscular dystrophy. Identifiers: Orphanet 257, MedGen C2931072, MONDO:0009181, OMIM 226670.
Epidermolysis bullosa simplex 5C, with pyloric atresia (EBS5C). Also called: PLEC-Related Epidermolysis Bullosa with Pyloric Atresia; Epidermolysis bullosa simplex with pyloric atresia; PLEC1-Related Epidermolysis Bullosa with Pyloric Atresia. Identifiers: Orphanet 158684, MedGen C2677349, MONDO:0012807, OMIM 612138.

Submission:

Labcorp Genetics (formerly Invitae), Labcorp
Classification: Uncertain significance for Autosomal recessive limb-girdle muscular dystrophy type 2Q; Epidermolysis bullosa simplex, Ogna type; Epidermolysis bullosa simplex with nail dystrophy; Epidermolysis bullosa simplex 5C, with pyloric atresia; Epidermolysis bullosa simplex 5B, with muscular dystrophy. Last evaluated: 2024-01-21. Review status: criteria provided, single submitter. Criteria: Invitae Variant Classification Sherloc (09022015). Collection method: clinical testing. Allele origin: germline.
Comment: This sequence change replaces histidine, which is basic and polar, with glutamine, which is neutral and polar, at codon 3844 of the PLEC protein (p.His3844Gln). This variant is not present in population databases (gnomAD no frequency). This variant has not been reported in the literature in individuals affected with PLEC-related conditions. An algorithm developed to predict the effect of missense changes on protein structure and function (PolyPhen-2) suggests that this variant is likely to be disruptive. In summary, the available evidence is currently insufficient to determine the role of this variant in disease. Therefore, it has been classified as a Variant of Uncertain Significance.